The following is an entry in ClinVar:

NM_005585.5(SMAD6):c.921C>G (p.Asn307Lys)

Gene: SMAD6 (SMAD family member 6; plus strand). Cytogenetic location: 15q22.31.
Variant type: single nucleotide variant.
Coding change: c.921C>G on transcript NM_005585.5 (MANE Select); coding-DNA position 921, C replaced by G.
Protein change: p.Asn307Lys; replaces asparagine 307 with lysine.
Molecular consequence: missense variant. On other transcripts: non-coding transcript variant (1).
Genome position (GRCh38, 1-based): chr15:66,716,467, C>G. VCF-style: chr15-66716467-C-G. GRCh37 (hg19) VCF-style: chr15-67008805-C-G.
Other names: short protein forms N307K.
Identifiers: ClinVar variation 1766226 (VCV001766226.2), dbSNP rs191287350, ClinGen allele CA392951896.

ClinVar aggregate classification (germline): Uncertain significance (1 of 4 stars; one submission).

Conditions:
Inborn genetic diseases. Identifiers: MedGen C0950123, MeSH D030342.

Submission:

Ambry Genetics
Classification: Uncertain significance for Inborn genetic diseases. Last evaluated: 2022-07-06. Review status: criteria provided, single submitter. Criteria: Ambry Variant Classification Scheme 2023. Collection method: clinical testing. Allele origin: germline.
Comment: The p.N307K variant (also known as c.921C>G), located in coding exon 3 of the SMAD6 gene, results from a C to G substitution at nucleotide position 921. The asparagine at codon 307 is replaced by lysine, an amino acid with similar properties. This amino acid position is conserved. In addition, the in silico prediction for this alteration is inconclusive. Since supporting evidence is limited at this time, the clinical significance of this alteration remains unclear.